The following is an entry in ClinVar:

ClinVar aggregate classification (germline): Uncertain significance (1 of 4 stars; one submission).

Submission:

Labcorp Genetics (formerly Invitae), Labcorp
Classification: Uncertain significance. Last evaluated: 2024-04-15. Review status: criteria provided, single submitter. Criteria: Invitae Variant Classification Sherloc (09022015). Collection method: clinical testing. Allele origin: germline.
Comment: This sequence change replaces tryptophan, which is neutral and slightly polar, with serine, which is neutral and polar, at codon 371 of the WFS1 protein (p.Trp371Ser). This variant is not present in population databases (gnomAD no frequency). This variant has not been reported in the literature in individuals affected with WFS1-related conditions. Advanced modeling of protein sequence and biophysical properties (such as structural, functional, and spatial information, amino acid conservation, physicochemical variation, residue mobility, and thermodynamic stability) performed at Invitae indicates that this missense variant is expected to disrupt WFS1 protein function with a positive predictive value of 95%. In summary, the available evidence is currently insufficient to determine the role of this variant in disease. Therefore, it has been classified as a Variant of Uncertain Significance.

NM_006005.3(WFS1):c.1112G>C (p.Trp371Ser)

Gene: WFS1 (wolframin ER transmembrane glycoprotein; plus strand). Cytogenetic location: 4p16.1.
Variant type: single nucleotide variant.
Coding change: c.1112G>C on transcript NM_006005.3 (MANE Select); coding-DNA position 1112, G replaced by C.
Protein change: p.Trp371Ser; replaces tryptophan 371 with serine.
Molecular consequence: missense variant.
Genome position (GRCh38, 1-based): chr4:6,300,907, G>C. VCF-style: chr4-6300907-G-C. GRCh37 (hg19) VCF-style: chr4-6302634-G-C.
Other names: c.1112G>C, p.Trp371Ser (NM_001145853.1); short protein forms W371S.
Identifiers: ClinVar variation 3692844 (VCV003692844.2).